The following is an entry in ClinVar:

ClinVar aggregate classification (germline): Likely benign (0 of 4 stars; one submission).

Conditions:
NEIL1-related disorder. Also called: NEIL1-related condition.

Submission:

PreventionGenetics, part of Exact Sciences
Classification: Likely benign for NEIL1-related condition. Last evaluated: 2019-05-30. Review status: no assertion criteria provided. Collection method: clinical testing. Allele origin: germline.
Comment: This variant is classified as likely benign based on ACMG/AMP sequence variant interpretation guidelines (Richards et al. 2015 PMID: 25741868, with internal and published modifications).

NM_024608.4(NEIL1):c.619-22CCTGCC[3]

Gene: NEIL1 (nei like DNA glycosylase 1; plus strand). Cytogenetic location: 15q24.2.
Variant type: Microsatellite.
Coding change: c.619-22CCTGCC[3] on transcript NM_024608.4 (MANE Select); three copies in a row of the 6-base unit CCTGCC starting at c.619-22.
Molecular consequence: intron variant.
Genome position: GRCh38 VCF-style: chr15-75352579-T-TCCTGCC. GRCh37 (hg19) VCF-style: chr15-75644920-T-TCCTGCC.
Other names: c.313-22CCTGCC[3] (NM_001352520.2); c.439-22CCTGCC[3] (NM_001352519.2); c.877-22CCTGCC[3] (NM_001256552.1); c.877-13_877-8dup6 (NM_001256552.1).
Identifiers: ClinVar variation 3044045 (VCV003044045.2), dbSNP rs5745917, ClinGen allele CA7665627.